The following is an entry in ClinVar:

NM_012330.4(KAT6B):c.3378_3381del (p.Phe1127fs)

Gene: KAT6B (lysine acetyltransferase 6B; plus strand). Cytogenetic location: 10q22.2.
Variant type: Deletion.
Coding change: c.3378_3381del on transcript NM_012330.4 (MANE Select); coding-DNA positions 3378 to 3381, 4 bases deleted (TTTT; older notation c.3378_3381delTTTT).
Protein change: p.Phe1127fs; shifts the reading frame from phenylalanine 1127.
Molecular consequence: frameshift variant.
Genome position (GRCh38, 1-based): chr10:75,024,963-75,024,966, TTTT deleted. VCF-style (leftmost placement, unchanged base first): chr10-75024962-CTTTT-C. GRCh37 (hg19) VCF-style: chr10-76784720-CTTTT-C.
Other names: c.2829_2832del, p.Phe944fs (NM_001256468.2, NM_001370138.1); c.2502_2505del, p.Phe835fs (NM_001256469.2, NM_001370139.1, NM_001370140.1 and 2 more transcripts); c.2340_2343del, p.Phe781fs (NM_001370132.1); c.1689_1692del, p.Phe564fs (NM_001370133.1); c.1293_1296del, p.Phe432fs (NM_001370134.1); c.1035_1038del, p.Phe346fs (NM_001370135.1); c.3378_3381del, p.Phe1127fs (NM_001370136.1, NM_001370137.1); c.2313_2316del, p.Phe772fs (NM_001370143.1, NM_001370144.1); short protein forms F1127fs, F346fs, F432fs, F564fs, F772fs, F781fs, F835fs, F944fs.
Identifiers: ClinVar variation 2584461 (VCV002584461.1), dbSNP rs2549182925, ClinGen allele CA2582342683.

ClinVar aggregate classification (germline): Pathogenic (1 of 4 stars; one submission).

Conditions:
KAT6B-related disorder. Also called: KAT6B-related disorders; KAT6B-related condition.

Submission:

Rady Children's Institute for Genomic Medicine, Rady Children's Hospital San Diego
Classification: Pathogenic for KAT6B-related disorders. Review status: criteria provided, single submitter. Criteria: ACMG Guidelines, 2015. Collection method: clinical testing. Allele origin: germline. Affected: yes.
Comment: This frameshifting variant in exon 17 of 18 is predicted to result in loss of normal protein function through either protein truncation or nonsense-mediated mRNA decay. This variant has not been previously reported or functionally characterized in the literature to our knowledge. The c.3378_3382delinsA (p.Phe1127TyrfsTer2) variant is absent from the gnomAD population database and thus is presumed to be rare. Analysis of the parental samples was negative for the variant, indicating this variant likely occurred as a de novo event. Based on the available evidence, the c.3378_3382delinsA (p.Phe1127TyrfsTer2) variant is classified as Pathogenic.